The following is an entry in ClinVar:

NM_001903.5(CTNNA1):c.760G>A (p.Gly254Ser)

Gene: CTNNA1 (catenin alpha 1; plus strand). Cytogenetic location: 5q31.2.
Variant type: single nucleotide variant.
Coding change: c.760G>A on transcript NM_001903.5 (MANE Select); coding-DNA position 760, G replaced by A.
Protein change: p.Gly254Ser; replaces glycine 254 with serine.
Molecular consequence: missense variant.
Genome position (GRCh38, 1-based): chr5:138,824,701, G>A. VCF-style: chr5-138824701-G-A. GRCh37 (hg19) VCF-style: chr5-138160390-G-A.
Other names: c.760G>A, p.Gly254Ser (NM_001290307.3, NM_001323982.2, NM_001323983.1 and 3 more transcripts); c.451G>A, p.Gly151Ser (NM_001290309.3); c.391G>A, p.Gly131Ser (NM_001290310.3); short protein forms G131S, G151S, G254S.
Identifiers: ClinVar variation 2884104 (VCV002884104.3), dbSNP rs2149776297, ClinGen allele CA361129950.
Genomic context (GRCh38, chr5:138,824,701, plus strand): 5'-GTCGCAGCCTATAAGGCCAACAGGGACCTGATATACAAGCAGCTGCAGCAGGCGGTCACA[G>A]GCATTTCCAATGCAGCCCAGGCCACTGCCTCAGACGATGCCTCACAGCACCAGGGTGGAG-3'
Protein context (NP_001894.2, residues 244-264): IYKQLQQAVT[Gly254Ser]ISNAAQATAS

ClinVar aggregate classification (germline): Uncertain significance (1 of 4 stars; one submission).

Allele frequency attached by ClinVar (database versions not stated): gnomAD exomes below 0.00001.
gnomAD v4.1: 2 of 1,614,210 alleles (0.00012%); highest among the groups gnomAD compares: South Asian, 0.0022%; no homozygotes.

Submission:

Labcorp Genetics (formerly Invitae), Labcorp
Classification: Uncertain significance. Last evaluated: 2023-08-27. Review status: criteria provided, single submitter. Criteria: Invitae Variant Classification Sherloc (09022015). Collection method: clinical testing. Allele origin: germline.
Comment: In summary, the available evidence is currently insufficient to determine the role of this variant in disease. Therefore, it has been classified as a Variant of Uncertain Significance. Advanced modeling of protein sequence and biophysical properties (such as structural, functional, and spatial information, amino acid conservation, physicochemical variation, residue mobility, and thermodynamic stability) performed at Invitae indicates that this missense variant is not expected to disrupt CTNNA1 protein function. This variant has not been reported in the literature in individuals affected with CTNNA1-related conditions. This variant is not present in population databases (gnomAD no frequency). This sequence change replaces glycine, which is neutral and non-polar, with serine, which is neutral and polar, at codon 254 of the CTNNA1 protein (p.Gly254Ser).